The following is an entry in ClinVar:

NM_000419.5(ITGA2B):c.685G>A (p.Ala229Thr)

Gene: ITGA2B (integrin subunit alpha 2b; minus strand). Cytogenetic location: 17q21.31.
Variant type: single nucleotide variant.
Coding change: c.685G>A on transcript NM_000419.5 (MANE Select); coding-DNA position 685, G replaced by A.
Protein change: p.Ala229Thr; replaces alanine 229 with threonine.
Molecular consequence: missense variant.
Genome position (GRCh38, 1-based): chr17:44,385,062, C>T on the plus strand (G>A on the coding strand, the complement: ITGA2B is on the minus strand). VCF-style: chr17-44385062-C-T. GRCh37 (hg19) VCF-style: chr17-42462430-C-T.
Other names: p.Ala229Thr; short protein forms A229T.
Identifiers: ClinVar variation 2916875 (VCV002916875.5), dbSNP rs759707566, ClinGen allele CA8603370.

ClinVar aggregate classification (germline): Uncertain significance. Review status: criteria provided, multiple submitters, no conflicts (2 of 4 stars). 3 submissions from 3 submitters: Uncertain significance (3). Last evaluated 2025-11-06.

Conditions:
Glanzmann thrombasthenia. Also called: THROMBASTHENIA OF GLANZMANN AND NAEGELI; Thrombasthenia; Glanzmann's thrombasthenia; PLATELET GLYCOPROTEIN IIb-IIIa DEFICIENCY. Identifiers: Orphanet 849, MedGen C0040015, MONDO:0100326.

Allele frequency attached by ClinVar (database versions not stated): gnomAD exomes 0.00001; gnomAD 0.00003; ExAC 0.00005; TOPMed 0.00005.

Submissions (3):

Labcorp Genetics (formerly Invitae), Labcorp
Classification: Uncertain significance for Glanzmann thrombasthenia. Last evaluated: 2025-11-06. Review status: criteria provided, single submitter. Criteria: Invitae Variant Classification Sherloc (09022015). Collection method: clinical testing. Allele origin: germline.
Comment: This sequence change replaces alanine, which is neutral and non-polar, with threonine, which is neutral and polar, at codon 229 of the ITGA2B protein (p.Ala229Thr). This variant is present in population databases (rs759707566, gnomAD 0.04%). This variant has not been reported in the literature in individuals affected with ITGA2B-related conditions. ClinVar contains an entry for this variant (Variation ID: 2916875). Invitae Evidence Modeling of protein sequence and biophysical properties (such as structural, functional, and spatial information, amino acid conservation, physicochemical variation, residue mobility, and thermodynamic stability) has been performed for this missense variant. However, the output from this modeling did not meet the statistical confidence thresholds required to predict the impact of this variant on ITGA2B protein function. In summary, the available evidence is currently insufficient to determine the role of this variant in disease. Therefore, it has been classified as a Variant of Uncertain Significance.

Mayo Clinic Laboratories, Mayo Clinic
Classification: Uncertain significance. Last evaluated: 2025-10-10. Review status: criteria provided, single submitter. Criteria: ACMG Guidelines, 2015. Collection method: clinical testing. Allele origin: germline. Observed: 1 variant allele.
Comment: BP4_moderate

Blueprint Genetics
Classification: Uncertain significance. Last evaluated: 2020-12-01. Review status: criteria provided, single submitter. Criteria: ACMG Guidelines, 2015. Collection method: clinical testing. Allele origin: germline.